The following is an entry in ClinVar:

ClinVar aggregate classification (germline): Uncertain significance (1 of 4 stars; one submission).

Conditions:
Early-infantile DEE. Also called: Early infantile epileptic encephalopathy; Ohtahara syndrome; Early infantile epileptic encephalopathy with suppression bursts. Identifiers: Orphanet 1934, MedGen C0393706, MONDO:0800491.

Submission:

Labcorp Genetics (formerly Invitae), Labcorp
Classification: Uncertain significance for Early-infantile DEE. Last evaluated: 2021-01-28. Review status: criteria provided, single submitter. Criteria: Invitae Variant Classification Sherloc (09022015). Collection method: clinical testing. Allele origin: germline.
Comment: In summary, the available evidence is currently insufficient to determine the role of this variant in disease. Therefore, it has been classified as a Variant of Uncertain Significance. Algorithms developed to predict the effect of sequence changes on RNA splicing suggest that this variant may create or strengthen a splice site, but this prediction has not been confirmed by published transcriptional studies. Advanced modeling of protein sequence and biophysical properties (such as structural, functional, and spatial information, amino acid conservation, physicochemical variation, residue mobility, and thermodynamic stability) performed at Invitae indicates that this missense variant is expected to disrupt SCN1A protein function. This variant has not been reported in the literature in individuals with SCN1A-related conditions. This variant is not present in population databases (ExAC no frequency). This sequence change replaces glycine with valine at codon 348 of the SCN1A protein (p.Gly348Val). The glycine residue is highly conserved and there is a moderate physicochemical difference between glycine and valine.

NM_001165963.4(SCN1A):c.1043G>T (p.Gly348Val)

Gene: SCN1A (sodium voltage-gated channel alpha subunit 1; minus strand). Cytogenetic location: 2q24.3.
Variant type: single nucleotide variant.
Coding change: c.1043G>T on transcript NM_001165963.4 (MANE Select); coding-DNA position 1043, G replaced by T.
Protein change: p.Gly348Val; replaces glycine 348 with valine.
Molecular consequence: missense variant. On other transcripts: 5 prime UTR variant (1), non-coding transcript variant (1).
Genome position (GRCh38, 1-based): chr2:166,047,754, C>A on the plus strand (G>T on the coding strand, the complement: SCN1A is on the minus strand). VCF-style: chr2-166047754-C-A. GRCh37 (hg19) VCF-style: chr2-166904264-C-A.
Other names: c.1043G>T, p.Gly348Val (NM_001165964.3, NM_001202435.3, NM_001353948.2 and 10 more transcripts); c.-1383G>T (NM_001353961.2); short protein forms G348V.
Identifiers: ClinVar variation 1405555 (VCV001405555.9), dbSNP rs2105868181, ClinGen allele CA349071430.